The following is an entry in ClinVar:

NM_000231.3(SGCG):c.342dup (p.Ala115fs)

Gene: SGCG (sarcoglycan gamma; plus strand). Cytogenetic location: 13q12.12.
Variant type: Duplication.
Coding change: c.342dup on transcript NM_000231.3 (MANE Select); coding-DNA position 342, one base duplicated (T; older notation c.342dupT).
Protein change: p.Ala115fs; shifts the reading frame from alanine 115.
Molecular consequence: frameshift variant.
Genome position (GRCh38, 1-based): chr13:23,250,674, T duplicated. VCF-style (leftmost placement, unchanged base first): chr13-23250673-A-AT. GRCh37 (hg19) VCF-style: chr13-23824812-A-AT.
Other names: c.396dup, p.Ala133fs (NM_001378244.1); c.342dup, p.Ala115fs (NM_001378245.1, NM_001378246.1); c.342dup (NM_000231.2); c.342dupT (NM_000231.2); short protein forms A115fs, A133fs.
Identifiers: ClinVar variation 651443 (VCV000651443.9), dbSNP rs1262459682, ClinGen allele CA608612065.

ClinVar aggregate classification (germline): Pathogenic/Likely pathogenic. Review status: criteria provided, multiple submitters, no conflicts (2 of 4 stars). 3 submissions from 3 submitters: Pathogenic (1); Likely pathogenic (2). Last evaluated 2024-06-03.

Conditions:
Autosomal recessive limb-girdle muscular dystrophy type 2C (LGMDR5). Also called: MUSCULAR DYSTROPHY, DUCHENNE-LIKE; MUSCULAR DYSTROPHY, LIMB-GIRDLE, AUTOSOMAL RECESSIVE 5. Identifiers: Orphanet 353, MedGen C0410173, MONDO:0009677, OMIM 253700. Disease mechanism: Affects gamma-sarcoglycan and also disrupts the integrity of the entire sarcoglycan complex..

Allele frequency attached by ClinVar (database versions not stated): gnomAD exomes below 0.00001; TOPMed below 0.00001; gnomAD 0.00001.

Submissions (3):

Natera, Inc.
Classification: Likely pathogenic for Limb-girdle muscular dystrophy type 2C. Last evaluated: 2024-06-03. Review status: criteria provided, single submitter. Criteria: Natera Variant Classification Schema (03/2026). Collection method: clinical testing. Allele origin: germline.
Comment: The c.342dup variant in SGCG is a frameshift variant predicted to shift the reading frame beginning at codon 115 and leads to a stop codon 41 codons downstream. This variant is expected to result in nonsense mediated decay, truncation, or a dysfunctional protein product. This variant is rare in the general population with a frequency below the threshold expected for the associated phenotype(s). Given the available evidence, this variant is classified as Likely Pathogenic.

Baylor Genetics
Classification: Likely pathogenic for Autosomal recessive limb-girdle muscular dystrophy type 2C. Last evaluated: 2023-07-30. Review status: criteria provided, single submitter. Criteria: ACMG Guidelines, 2015. Collection method: clinical testing. Allele origin: unknown.

Labcorp Genetics (formerly Invitae), Labcorp
Classification: Pathogenic for Autosomal recessive limb-girdle muscular dystrophy type 2C. Last evaluated: 2022-11-01. Review status: criteria provided, single submitter. Criteria: Invitae Variant Classification Sherloc (09022015). Collection method: clinical testing. Allele origin: germline.
Comment: This sequence change creates a premature translational stop signal (p.Ala115Cysfs*41) in the SGCG gene. It is expected to result in an absent or disrupted protein product. Loss-of-function variants in SGCG are known to be pathogenic (PMID: 18285821). This variant is present in population databases (no rsID available, gnomAD 0.0009%). This variant has not been reported in the literature in individuals affected with SGCG-related conditions. ClinVar contains an entry for this variant (Variation ID: 651443). For these reasons, this variant has been classified as Pathogenic.

Literature cited by the submitters: PubMed 18285821 (cited by Labcorp Genetics (formerly Invitae), Labcorp).